The following is an entry in ClinVar:

ClinVar aggregate classification (germline): Likely pathogenic (1 of 4 stars; one submission).

Conditions:
Dilated cardiomyopathy 1G (CMD1G). Identifiers: Orphanet 154, MedGen C1858763, MONDO:0011400, OMIM 604145.
Autosomal recessive limb-girdle muscular dystrophy type 2J (LGMDR10). Also called: Limb-girdle muscular dystrophy, type 2J; MUSCULAR DYSTROPHY, LIMB-GIRDLE, AUTOSOMAL RECESSIVE 10. Identifiers: Orphanet 140922, MedGen C1837342, MONDO:0012127, OMIM 608807.

Submission:

Labcorp Genetics (formerly Invitae), Labcorp
Classification: Likely pathogenic for Dilated cardiomyopathy 1G; Autosomal recessive limb-girdle muscular dystrophy type 2J. Last evaluated: 2024-06-24. Review status: criteria provided, single submitter. Criteria: Invitae Variant Classification Sherloc (09022015). Collection method: clinical testing. Allele origin: germline.
Comment: This sequence change creates a premature translational stop signal (p.Lys30156*) in the TTN gene. While this is not anticipated to result in nonsense mediated decay, it is expected to create a truncated TTN protein. This variant is not present in population databases (gnomAD no frequency). This variant has not been reported in the literature in individuals affected with TTN-related conditions. This variant is located in the A band of TTN (PMID: 25589632). Truncating variants in this region are significantly overrepresented in patients affected with dilated cardiomyopathy (PMID: 25589632). Truncating variants in this region have also been reported in individuals affected with autosomal recessive centronuclear myopathy (PMID: 23975875). In summary, the currently available evidence indicates that the variant is pathogenic, but additional data are needed to prove that conclusively. Therefore, this variant has been classified as Likely Pathogenic.

Literature cited by the submitters: PubMed 25589632; PubMed 23975875.

NM_001267550.2(TTN):c.90466A>T (p.Lys30156Ter)

Genes: TTN (titin; minus strand), TTN-AS1 (TTN antisense RNA 1; plus strand). Cytogenetic location: 2q31.2.
Variant type: single nucleotide variant.
Coding change: c.90466A>T on transcript NM_001267550.2 (MANE Select); coding-DNA position 90466, A replaced by T.
Protein change: p.Lys30156Ter; replaces lysine 30156 with a stop codon.
Molecular consequence: nonsense.
Genome position (GRCh38, 1-based): chr2:178,552,434, T>A on the plus strand (A>T on the coding strand, the complement: TTN is on the minus strand). VCF-style: chr2-178552434-T-A. GRCh37 (hg19) VCF-style: chr2-179417161-T-A.
Other names: c.85543A>T, p.Lys28515Ter (NM_001256850.1); c.63271A>T, p.Lys21091Ter (NM_003319.4); c.82762A>T, p.Lys27588Ter (NM_133378.4); c.63646A>T, p.Lys21216Ter (NM_133432.3); c.63847A>T, p.Lys21283Ter (NM_133437.4); short protein forms K21091*, K21216*, K21283*, K27588*, K28515*, K30156*.
Identifiers: ClinVar variation 3756963 (VCV003756963.2).